The following is an entry in ClinVar:

NM_000168.6(GLI3):c.3509C>G (p.Ala1170Gly)

Gene: GLI3 (GLI family zinc finger 3; minus strand). Cytogenetic location: 7p14.1.
Variant type: single nucleotide variant.
Coding change: c.3509C>G on transcript NM_000168.6 (MANE Select); coding-DNA position 3509, C replaced by G.
Protein change: p.Ala1170Gly; replaces alanine 1170 with glycine.
Molecular consequence: missense variant.
Genome position (GRCh38, 1-based): chr7:41,965,564, G>C on the plus strand (C>G on the coding strand, the complement: GLI3 is on the minus strand). VCF-style: chr7-41965564-G-C. GRCh37 (hg19) VCF-style: chr7-42005162-G-C.
Other names: short protein forms A1170G.
Identifiers: ClinVar variation 580237 (VCV000580237.12), dbSNP rs143942705, ClinGen allele CA4230348.

ClinVar aggregate classification (germline): Conflicting classifications of pathogenicity. Review status: criteria provided, conflicting classifications (1 of 4 stars). 4 submissions from 4 submitters: Uncertain significance (1); Benign (1); Likely benign (1). 1 of the submissions does not count toward it. Last evaluated 2025-12-02.

Conditions:
GLI3-related disorder. Also called: GLI3-related condition; GLI3-related disorders. Identifiers: MedGen CN239292.
Inborn genetic diseases. Identifiers: MedGen C0950123, MeSH D030342.
Greig cephalopolysyndactyly syndrome (GCPS). Also called: Greig syndrome; POLYSYNDACTYLY WITH PECULIAR SKULL SHAPE; GLI3-Related Greig Cephalopolysyndactyly Syndrome. Identifiers: Orphanet 380, MedGen C0265306, MONDO:0008287, OMIM 175700.
Pallister-Hall syndrome (PHS). Also called: GLI3-Related Pallister-Hall Syndrome; HYPOTHALAMIC HAMARTOBLASTOMA, HYPOPITUITARISM, IMPERFORATE ANUS, AND POSTAXIAL POLYDACTYLY. Identifiers: Orphanet 672, MedGen C0265220, MONDO:0007804, OMIM 146510.

Allele frequency attached by ClinVar (database versions not stated): ExAC 0.00012; gnomAD 0.00014; gnomAD exomes 0.00014; ESP Exome Variant Server 0.00015; TOPMed 0.00019; 1000 Genomes Project 30x 0.00031; 1000 Genomes Project 0.00040.
gnomAD v4.1: 123 of 1,605,172 alleles (0.0077%); highest among the groups gnomAD compares: Admixed American, 0.089%; no homozygotes.

Submissions (4):

Labcorp Genetics (formerly Invitae), Labcorp
Classification: Benign for Pallister-Hall syndrome; Greig cephalopolysyndactyly syndrome. Last evaluated: 2025-12-02. Review status: criteria provided, single submitter. Criteria: Invitae Variant Classification Sherloc (09022015). Collection method: clinical testing. Allele origin: germline.

Blueprint Genetics
Classification: Likely benign. Last evaluated: 2023-12-19. Review status: criteria provided, single submitter. Criteria: ACMG Guidelines, 2015. Collection method: clinical testing. Allele origin: germline.

Ambry Genetics
Classification: Uncertain significance for Inborn genetic diseases. Last evaluated: 2021-05-27. Review status: criteria provided, single submitter. Criteria: Ambry Variant Classification Scheme 2023. Collection method: clinical testing. Allele origin: germline.

PreventionGenetics, part of Exact Sciences
Classification: Likely benign for GLI3-related condition. Last evaluated: 2024-03-27. Review status: no assertion criteria provided. Collection method: clinical testing. Allele origin: germline. Not counted in ClinVar's aggregate classification.
Comment: This variant is classified as likely benign based on ACMG/AMP sequence variant interpretation guidelines (Richards et al. 2015 PMID: 25741868, with internal and published modifications).